The following is an entry in ClinVar:

ClinVar aggregate classification (germline): Benign (1 of 4 stars; one submission).

Conditions:
Disorders of Intracellular Cobalamin Metabolism. Identifiers: MedGen CN043592.

Allele frequency attached by ClinVar (database versions not stated): TOPMed 0.00490; 1000 Genomes Project 0.00539; 1000 Genomes Project 30x 0.00547.
gnomAD v4.1: 621 of 152,288 alleles (0.41%); highest among the groups gnomAD compares: African/African-American, 1.4%; 4 homozygotes.

Submission:

Illumina Laboratory Services, Illumina
Classification: Benign for Disorders of Intracellular Cobalamin Metabolism. Last evaluated: 2018-01-13. Review status: criteria provided, single submitter. Criteria: ICSL Variant Classification Criteria 13 December 2019. Collection method: clinical testing. Allele origin: germline.
Comment: This variant was observed in the ICSL laboratory as part of a predisposition screen in an ostensibly healthy population. It had not been previously curated by ICSL or reported in the Human Gene Mutation Database (HGMD: prior to June 1st, 2018), and was therefore a candidate for classification through an automated scoring system. Utilizing variant allele frequency, disease prevalence and penetrance estimates, and inheritance mode, an automated score was calculated to assess if this variant is too frequent to cause the disease. Based on the score and internal cut-off values, a variant classified as benign is not then subjected to further curation. The score for this variant resulted in a classification of benign for this disease.

NM_000254.3(MTR):c.*5294G>C

Gene: MTR (5-methyltetrahydrofolate-homocysteine methyltransferase; plus strand). Cytogenetic location: 1q43.
Variant type: single nucleotide variant.
Coding change: c.*5294G>C on transcript NM_000254.3 (MANE Select); 5294 bases downstream of the stop codon, G replaced by C.
Molecular consequence: 3 prime UTR variant.
Genome position (GRCh38, 1-based): chr1:236,902,938, G>C. VCF-style: chr1-236902938-G-C. GRCh37 (hg19) VCF-style: chr1-237066238-G-C.
Other names: c.*5294G>C (NM_001291939.1, NM_001291940.2).
Identifiers: ClinVar variation 296684 (VCV000296684.5), dbSNP rs16834539, ClinGen allele CA10610577.